The following is an entry in ClinVar:

ClinVar aggregate classification (germline): Uncertain significance. Review status: criteria provided, multiple submitters, no conflicts (2 of 4 stars). 3 submissions from 3 submitters: Uncertain significance (3). Last evaluated 2026-01-31.

Conditions:
Hereditary cancer-predisposing syndrome. Also called: Hereditary Cancer Syndrome; Hereditary neoplastic syndrome; Neoplastic Syndromes, Hereditary; Tumor predisposition. Identifiers: Orphanet 140162, MedGen C0027672, MeSH D009386, MONDO:0015356.

Allele frequency attached by ClinVar (database versions not stated): gnomAD exomes below 0.00001; ExAC 0.00001.
gnomAD v4.1: 1 of 1,613,766 alleles (0.000062%); highest among the groups gnomAD compares: Admixed American, 0.0017%; no homozygotes.

Submissions (3):

Labcorp Genetics (formerly Invitae), Labcorp
Classification: Uncertain significance. Last evaluated: 2026-01-31. Review status: criteria provided, single submitter. Criteria: Invitae Variant Classification Sherloc (09022015). Collection method: clinical testing. Allele origin: germline.
Comment: This sequence change replaces lysine, which is basic and polar, with glutamic acid, which is acidic and polar, at codon 1857 of the POLE protein (p.Lys1857Glu). This variant is present in population databases (rs773659817, gnomAD 0.003%). This variant has not been reported in the literature in individuals affected with POLE-related conditions. ClinVar contains an entry for this variant (Variation ID: 405846). Invitae Evidence Modeling of protein sequence and biophysical properties (such as structural, functional, and spatial information, amino acid conservation, physicochemical variation, residue mobility, and thermodynamic stability) indicates that this missense variant is not expected to disrupt POLE protein function with a negative predictive value of 80%. In summary, the available evidence is currently insufficient to determine the role of this variant in disease. Therefore, it has been classified as a Variant of Uncertain Significance.

Ambry Genetics
Classification: Uncertain significance for Hereditary cancer-predisposing syndrome. Last evaluated: 2025-04-04. Review status: criteria provided, single submitter. Criteria: Ambry Variant Classification Scheme 2023. Collection method: clinical testing. Allele origin: germline.
Comment: The p.K1857E variant (also known as c.5569A>G), located in coding exon 41 of the POLE gene, results from an A to G substitution at nucleotide position 5569. The lysine at codon 1857 is replaced by glutamic acid, an amino acid with similar properties. This amino acid position is highly conserved in available vertebrate species. In addition, the in silico prediction for this alteration is inconclusive. Based on the available evidence, the clinical significance of this variant remains unclear.

PreventionGenetics, part of Exact Sciences
Classification: Uncertain significance. Last evaluated: 2018-01-09. Review status: criteria provided, single submitter. Criteria: ACMG Guidelines, 2015. Collection method: clinical testing. Allele origin: germline.

NM_006231.4(POLE):c.5569A>G (p.Lys1857Glu)

Gene: POLE (DNA polymerase epsilon, catalytic subunit; minus strand). Cytogenetic location: 12q24.33.
Variant type: single nucleotide variant.
Coding change: c.5569A>G on transcript NM_006231.4 (MANE Select); coding-DNA position 5569, A replaced by G.
Protein change: p.Lys1857Glu; replaces lysine 1857 with glutamic acid.
Molecular consequence: missense variant.
Genome position (GRCh38, 1-based): chr12:132,638,123, T>C on the plus strand (A>G on the coding strand, the complement: POLE is on the minus strand). VCF-style: chr12-132638123-T-C. GRCh37 (hg19) VCF-style: chr12-133214709-T-C.
Other names: c.5569A>G (NM_006231.2); short protein forms K1857E.
Identifiers: ClinVar variation 405846 (VCV000405846.8), dbSNP rs773659817, ClinGen allele CA6892470.